The following is an entry in ClinVar:

ClinVar aggregate classification (germline): Uncertain significance (1 of 4 stars; one submission).

Conditions:
TTN-related disorder. Also called: TTN-related disorders; TTN-related condition; TTN-related disease.

gnomAD v4.1: 14 of 1,613,478 alleles (0.00087%); highest among the groups gnomAD compares: African/African-American, 0.015%; no homozygotes.

Submission:

PreventionGenetics, part of Exact Sciences
Classification: Uncertain significance for TTN-related condition. Last evaluated: 2025-05-22. Review status: criteria provided, single submitter. Criteria: ACMG Guidelines, 2015. Collection method: clinical testing. Allele origin: germline.
Comment: The TTN c.81502C>T variant is predicted to result in the amino acid substitution p.Arg27168Cys. To our knowledge, this variant has not been reported in the literature. This variant is reported in 0.021% of alleles in individuals of African descent in gnomAD. At this time, the clinical significance of this variant is uncertain due to the absence of conclusive functional and genetic evidence.

NM_001267550.2(TTN):c.81502C>T (p.Arg27168Cys)

Genes: TTN (titin; minus strand), TTN-AS1 (TTN antisense RNA 1; plus strand). Cytogenetic location: 2q31.2.
Variant type: single nucleotide variant.
Coding change: c.81502C>T on transcript NM_001267550.2 (MANE Select); coding-DNA position 81502, C replaced by T.
Protein change: p.Arg27168Cys; replaces arginine 27168 with cysteine.
Molecular consequence: missense variant.
Genome position (GRCh38, 1-based): chr2:178,564,630, G>A on the plus strand (C>T on the coding strand, the complement: TTN is on the minus strand). VCF-style: chr2-178564630-G-A. GRCh37 (hg19) VCF-style: chr2-179429357-G-A.
Other names: c.76579C>T, p.Arg25527Cys (NM_001256850.1); c.54307C>T, p.Arg18103Cys (NM_003319.4); c.73798C>T, p.Arg24600Cys (NM_133378.4); c.54682C>T, p.Arg18228Cys (NM_133432.3); c.54883C>T, p.Arg18295Cys (NM_133437.4); short protein forms R18228C, R18103C, R18295C, R24600C, R25527C, R27168C.
Identifiers: ClinVar variation 4987192 (VCV004987192.1).